The following is an entry in ClinVar:

ClinVar aggregate classification (germline): Likely benign. Review status: criteria provided, single submitter (1 of 4 stars). 2 submissions from 2 submitters: Likely benign (1). 1 of the submissions does not count toward it. Last evaluated 2025-06-17.

Conditions:
Infantile spasms. Also called: Infantile spasm. Identifiers: MedGen C3887898, HP:0012469.
PIK3AP1-related disorder. Also called: PIK3AP1-related condition.

Allele frequency attached by ClinVar (database versions not stated): gnomAD 0.00001 and 0.00002; gnomAD exomes 0.00004; TOPMed 0.00004; ExAC 0.00006; 1000 Genomes Project 30x 0.00016; 1000 Genomes Project 0.00020.
gnomAD v4.1: 21 of 1,609,596 alleles (0.0013%); highest among the groups gnomAD compares: East Asian, 0.047%; no homozygotes.

Submissions (2):

Labcorp Genetics (formerly Invitae), Labcorp
Classification: Likely benign for Infantile spasms. Last evaluated: 2025-06-17. Review status: criteria provided, single submitter. Criteria: Invitae Variant Classification Sherloc (09022015). Collection method: clinical testing. Allele origin: germline.

PreventionGenetics, part of Exact Sciences
Classification: Likely benign for PIK3AP1-related condition. Last evaluated: 2019-04-01. Review status: no assertion criteria provided. Collection method: clinical testing. Allele origin: germline. Not counted in ClinVar's aggregate classification.
Comment: This variant is classified as likely benign based on ACMG/AMP sequence variant interpretation guidelines (Richards et al. 2015 PMID: 25741868, with internal and published modifications).

NM_152309.3(PIK3AP1):c.75G>A (p.Gln25=)

Gene: PIK3AP1 (phosphoinositide-3-kinase adaptor protein 1; minus strand). Cytogenetic location: 10q24.1.
Variant type: single nucleotide variant.
Coding change: c.75G>A on transcript NM_152309.3 (MANE Select); coding-DNA position 75, G replaced by A.
Protein change: p.Gln25=; no amino-acid change (glutamine 25 retained).
Molecular consequence: synonymous variant.
Genome position (GRCh38, 1-based): chr10:96,709,922, C>T on the plus strand (G>A on the coding strand, the complement: PIK3AP1 is on the minus strand). VCF-style: chr10-96709922-C-T. GRCh37 (hg19) VCF-style: chr10-98469679-C-T.
Other names: c.75G>A (NM_152309.2).
Identifiers: ClinVar variation 1093074 (VCV001093074.11), dbSNP rs202093664, ClinGen allele CA5626614.
Genomic context (GRCh38, chr10:96,709,922, plus strand): 5'-GTGAGTCAGTATCTTCTGGCTGCGGACCTGCCGACTGGACAGGAACAGGGTCTGCAGGTA[C>T]TGGCACCATTCCTCGGCATCCGGGCTGTAGACGATGAGGATGTCGCATCCTCTGGGCACC-3'
Protein context (NP_689522.2, residues 15-35): VYSPDAEEWC[Gln25=]YLQTLFLSSR